The following is an entry in ClinVar:

NM_006206.6(PDGFRA):c.2775-15G>A

Gene: PDGFRA (platelet derived growth factor receptor alpha; plus strand). Cytogenetic location: 4q12.
Variant type: single nucleotide variant.
Coding change: c.2775-15G>A on transcript NM_006206.6 (MANE Select); 15 bases into the intron before coding-DNA position 2775, G replaced by A.
Molecular consequence: intron variant.
Genome position (GRCh38, 1-based): chr4:54,288,994, G>A. VCF-style: chr4-54288994-G-A. GRCh37 (hg19) VCF-style: chr4-55155161-G-A.
Other names: c.2850-15G>A (NM_001347828.2); c.2775-15G>A (NM_001347829.2); c.2814-15G>A (NM_001347830.2).
Identifiers: ClinVar variation 1622484 (VCV001622484.9), dbSNP rs760595044, ClinGen allele CA2922957.
Genomic context (GRCh38, chr4:54,288,994, plus strand): 5'-CAGTCTGTGGGTCTAGGGGGAGGGAGGGGCCCTGAGACTTCCCCCTGTGCCCACTCTTGA[G>A]TTCTGTCCCCACAGCTACGAGATCATGGTGAAATGCTGGAACAGTGAGCCGGAGAAGAGA-3'

ClinVar aggregate classification (germline): Likely benign. Review status: criteria provided, multiple submitters, no conflicts (2 of 4 stars). 2 submissions from 2 submitters: Likely benign (2). Last evaluated 2026-06-15.

Conditions:
Polyps, multiple and recurrent inflammatory fibroid, gastrointestinal. Identifiers: MedGen C5193005, MONDO:0008285, OMIM 175510.
Gastrointestinal stromal tumor. Also called: Gastrointestinal stromal tumor, somatic; Gastrointestinal stroma tumor. Identifiers: Orphanet 44890, MedGen C0238198, MeSH D046152, MONDO:0011719, OMIM 606764, HP:0100723.

Allele frequency attached by ClinVar (database versions not stated): gnomAD exomes below 0.00001; ExAC 0.00001.
gnomAD v4.1: 1 of 1,585,566 alleles (0.000063%); highest among the groups gnomAD compares: Non-Finnish European, 0.000087%; no homozygotes.

Submissions (2):

Myriad Genetics, Inc.
Classification: Likely benign for Polyps, multiple and recurrent inflammatory fibroid, gastrointestinal. Last evaluated: 2026-06-15. Review status: criteria provided, single submitter. Criteria: Myriad Autosomal Dominant, Autosomal Recessive and X-Linked Classification Criteria (2023). Collection method: clinical testing. Allele origin: unknown.
Comment: This variant is considered likely benign. This variant is intronic and is not expected to impact mRNA splicing.

Labcorp Genetics (formerly Invitae), Labcorp
Classification: Likely benign for Gastrointestinal stromal tumor. Last evaluated: 2025-07-31. Review status: criteria provided, single submitter. Criteria: Invitae Variant Classification Sherloc (09022015). Collection method: clinical testing. Allele origin: germline.